The following is an entry in ClinVar:

ClinVar aggregate classification (germline): Uncertain significance (1 of 4 stars; one submission).

Conditions:
DICER1-related tumor predisposition. Also called: DICER1-related pleuropulmonary blastoma cancer predisposition syndrome; DICER1 syndrome. Identifiers: Orphanet 284343, MedGen C3839822, MONDO:0100216.

Submission:

Labcorp Genetics (formerly Invitae), Labcorp
Classification: Uncertain significance for DICER1-related tumor predisposition. Last evaluated: 2025-11-13. Review status: criteria provided, single submitter. Criteria: Invitae Variant Classification Sherloc (09022015). Collection method: clinical testing. Allele origin: germline.
Comment: This sequence change replaces aspartic acid, which is acidic and polar, with histidine, which is basic and polar, at codon 1253 of the DICER1 protein (p.Asp1253His). This variant is not present in population databases (gnomAD no frequency). This variant has not been reported in the literature in individuals affected with DICER1-related conditions. Invitae Evidence Modeling of protein sequence and biophysical properties (such as structural, functional, and spatial information, amino acid conservation, physicochemical variation, residue mobility, and thermodynamic stability) indicates that this missense variant is not expected to disrupt DICER1 protein function with a negative predictive value of 95%. In summary, the available evidence is currently insufficient to determine the role of this variant in disease. Therefore, it has been classified as a Variant of Uncertain Significance.

NM_177438.3(DICER1):c.3757G>C (p.Asp1253His)

Gene: DICER1 (dicer 1, ribonuclease III; minus strand). Cytogenetic location: 14q32.13.
Variant type: single nucleotide variant.
Coding change: c.3757G>C on transcript NM_177438.3 (MANE Select); coding-DNA position 3757, G replaced by C.
Protein change: p.Asp1253His; replaces aspartic acid 1253 with histidine.
Molecular consequence: missense variant. On other transcripts: non-coding transcript variant (6).
Genome position (GRCh38, 1-based): chr14:95,103,639, C>G on the plus strand (G>C on the coding strand, the complement: DICER1 is on the minus strand). VCF-style: chr14-95103639-C-G. GRCh37 (hg19) VCF-style: chr14-95569976-C-G.
Other names: c.3757G>C, p.Asp1253His (NM_001195573.1, NM_001271282.3, NM_001291628.2 and 12 more transcripts); c.3475G>C, p.Asp1159His (NM_001395686.1); c.3352G>C, p.Asp1118His (NM_001395687.1, NM_001395688.1, NM_001395689.1 and 2 more transcripts); c.3190G>C, p.Asp1064His (NM_001395691.1); c.2074G>C, p.Asp692His (NM_001395697.1); short protein forms D1118H, D1253H, D692H, D1064H, D1159H.
Identifiers: ClinVar variation 4746759 (VCV004746759.1).